The following is an entry in ClinVar:

NM_030665.4(RAI1):c.4289C>T (p.Thr1430Ile)

Gene: RAI1 (retinoic acid induced 1; plus strand). Cytogenetic location: 17p11.2.
Variant type: single nucleotide variant.
Coding change: c.4289C>T on transcript NM_030665.4 (MANE Select); coding-DNA position 4289, C replaced by T.
Protein change: p.Thr1430Ile; replaces threonine 1430 with isoleucine.
Molecular consequence: missense variant.
Genome position (GRCh38, 1-based): chr17:17,797,237, C>T. VCF-style: chr17-17797237-C-T. GRCh37 (hg19) VCF-style: chr17-17700551-C-T.
Other names: short protein forms T1430I.
Identifiers: ClinVar variation 2794957 (VCV002794957.3), dbSNP rs2543618672, ClinGen allele CA398556317.

ClinVar aggregate classification (germline): Uncertain significance (1 of 4 stars; one submission).

Allele frequency attached by ClinVar (database versions not stated): gnomAD exomes below 0.00001.
gnomAD v4.1: 1 of 1,613,576 alleles (0.000062%); highest among the groups gnomAD compares: Non-Finnish European, 0.000085%; no homozygotes.

Submission:

Labcorp Genetics (formerly Invitae), Labcorp
Classification: Uncertain significance. Last evaluated: 2022-11-17. Review status: criteria provided, single submitter. Criteria: Invitae Variant Classification Sherloc (09022015). Collection method: clinical testing. Allele origin: germline.
Comment: In summary, the available evidence is currently insufficient to determine the role of this variant in disease. Therefore, it has been classified as a Variant of Uncertain Significance. Advanced modeling of protein sequence and biophysical properties (such as structural, functional, and spatial information, amino acid conservation, physicochemical variation, residue mobility, and thermodynamic stability) performed at Invitae indicates that this missense variant is not expected to disrupt RAI1 protein function. This variant has not been reported in the literature in individuals affected with RAI1-related conditions. This variant is not present in population databases (gnomAD no frequency). This sequence change replaces threonine, which is neutral and polar, with isoleucine, which is neutral and non-polar, at codon 1430 of the RAI1 protein (p.Thr1430Ile).